The following is an entry in ClinVar:

NM_001378328.1(CELSR1):c.3738C>T (p.Asn1246=)

Gene: CELSR1 (cadherin EGF LAG seven-pass G-type receptor 1; minus strand). Cytogenetic location: 22q13.31.
Variant type: single nucleotide variant.
Coding change: c.3738C>T on transcript NM_001378328.1 (MANE Select); coding-DNA position 3738, C replaced by T.
Protein change: p.Asn1246=; no amino-acid change (asparagine 1246 retained).
Molecular consequence: synonymous variant.
Genome position (GRCh38, 1-based): chr22:46,464,152, G>A on the plus strand (C>T on the coding strand, the complement: CELSR1 is on the minus strand). VCF-style: chr22-46464152-G-A. GRCh37 (hg19) VCF-style: chr22-46860049-G-A.
Other names: c.3738C>T, p.Asn1246= (NM_014246.4).
Identifiers: ClinVar variation 725657 (VCV000725657.7), dbSNP rs35364113, ClinGen allele CA10294907.

ClinVar aggregate classification (germline): Benign. Review status: criteria provided, multiple submitters, no conflicts (2 of 4 stars). 3 submissions from 3 submitters: Benign (2). 1 of the submissions does not count toward it. Last evaluated 2019-12-31.

Conditions:
CELSR1-related disorder. Also called: CELSR1-related condition.

Allele frequency attached by ClinVar (database versions not stated): gnomAD exomes 0.00135; ExAC 0.00164; 1000 Genomes Project 30x 0.00265; 1000 Genomes Project 0.00280; gnomAD 0.00504 and 0.00553; TOPMed 0.00566; ESP Exome Variant Server 0.00654.
gnomAD v4.1: 1,443 of 1,613,822 alleles (0.089%); highest among the groups gnomAD compares: African/African-American, 1.7%; 10 homozygotes.

Submissions (3):

Labcorp Genetics (formerly Invitae), Labcorp
Classification: Benign. Last evaluated: 2019-12-31. Review status: criteria provided, single submitter. Criteria: Invitae Variant Classification Sherloc (09022015). Collection method: clinical testing. Allele origin: germline.

Breakthrough Genomics
Classification: Benign. Review status: criteria provided, single submitter. Criteria: ACMG Guidelines, 2015. Collection method: not provided. Allele origin: germline. Inheritance: Autosomal dominant inheritance. Affected: yes.

PreventionGenetics, part of Exact Sciences
Classification: Likely benign for CELSR1-related condition. Last evaluated: 2019-04-10. Review status: no assertion criteria provided. Collection method: clinical testing. Allele origin: germline. Not counted in ClinVar's aggregate classification.
Comment: This variant is classified as likely benign based on ACMG/AMP sequence variant interpretation guidelines (Richards et al. 2015 PMID: 25741868, with internal and published modifications).